The following is an entry in ClinVar:

NM_007254.4(PNKP):c.683C>T (p.Pro228Leu)

Gene: PNKP (polynucleotide kinase 3'-phosphatase; minus strand). Cytogenetic location: 19q13.33.
Variant type: single nucleotide variant.
Coding change: c.683C>T on transcript NM_007254.4 (MANE Select); coding-DNA position 683, C replaced by T.
Protein change: p.Pro228Leu; replaces proline 228 with leucine.
Molecular consequence: missense variant.
Genome position (GRCh38, 1-based): chr19:49,864,025, G>A on the plus strand (C>T on the coding strand, the complement: PNKP is on the minus strand). VCF-style: chr19-49864025-G-A. GRCh37 (hg19) VCF-style: chr19-50367282-G-A.
Other names: short protein forms P228L.
Identifiers: ClinVar variation 1441058 (VCV001441058.6), dbSNP rs2122334512, ClinGen allele CA406886235.

ClinVar aggregate classification (germline): Uncertain significance (1 of 4 stars; one submission).

Conditions:
Developmental and epileptic encephalopathy, 12 (DEE12). Identifiers: MedGen C3150988, MONDO:0013389, OMIM 613722.

Submission:

Labcorp Genetics (formerly Invitae), Labcorp
Classification: Uncertain significance for Developmental and epileptic encephalopathy, 12. Last evaluated: 2021-07-31. Review status: criteria provided, single submitter. Criteria: Invitae Variant Classification Sherloc (09022015). Collection method: clinical testing. Allele origin: germline.
Comment: In summary, the available evidence is currently insufficient to determine the role of this variant in disease. Therefore, it has been classified as a Variant of Uncertain Significance. Algorithms developed to predict the effect of missense changes on protein structure and function (SIFT, PolyPhen-2, Align-GVGD) all suggest that this variant is likely to be tolerated. This variant has not been reported in the literature in individuals affected with PNKP-related conditions. This variant is not present in population databases (ExAC no frequency). This sequence change replaces proline with leucine at codon 228 of the PNKP protein (p.Pro228Leu). The proline residue is moderately conserved and there is a moderate physicochemical difference between proline and leucine.